The following is an entry in ClinVar:

ClinVar aggregate classification (germline): Uncertain significance. Review status: criteria provided, multiple submitters, no conflicts (2 of 4 stars). 4 submissions from 4 submitters: Uncertain significance (4). Last evaluated 2026-04-10.

Conditions:
TTN-related disorder. Also called: TTN-related condition; TTN-related disease; TTN-related disorders.
Dilated cardiomyopathy 1G (CMD1G). Identifiers: Orphanet 154, MedGen C1858763, MONDO:0011400, OMIM 604145.
Autosomal recessive limb-girdle muscular dystrophy type 2J (LGMDR10). Also called: MUSCULAR DYSTROPHY, LIMB-GIRDLE, AUTOSOMAL RECESSIVE 10; Limb-girdle muscular dystrophy, type 2J. Identifiers: Orphanet 140922, MedGen C1837342, MONDO:0012127, OMIM 608807.

Allele frequency attached by ClinVar (database versions not stated): gnomAD 0.00005; ExAC 0.00007; ESP Exome Variant Server 0.00008; gnomAD exomes 0.00009; TOPMed 0.00009.
gnomAD v4.1: 64 of 1,613,476 alleles (0.004%); highest among the groups gnomAD compares: Admixed American, 0.013%; no homozygotes.

Submissions (4):

PreventionGenetics, part of Exact Sciences
Classification: Uncertain significance for TTN-related condition. Last evaluated: 2026-04-10. Review status: criteria provided, single submitter. Criteria: ACMG Guidelines, 2015. Collection method: clinical testing. Allele origin: germline.
Comment: The TTN c.87449T>C variant is predicted to result in the amino acid substitution p.Ile29150Thr. To our knowledge, this variant has not been reported in the literature. This variant is reported in 0.11% of alleles in individuals of Ashkenazi Jewish descent in gnomAD. Although we suspect that this variant may be benign, at this time, the clinical significance of this variant is uncertain due to the absence of conclusive functional and genetic evidence.

Women's Health and Genetics/Laboratory Corporation of America, LabCorp
Classification: Uncertain significance. Last evaluated: 2025-11-24. Review status: criteria provided, single submitter. Criteria: LabCorp Variant Classification Summary - May 2015. Collection method: clinical testing. Allele origin: germline.

Revvity Omics, Revvity
Classification: Uncertain significance. Last evaluated: 2022-09-27. Review status: criteria provided, single submitter. Criteria: ACMG Guidelines, 2015. Collection method: clinical testing. Allele origin: germline.

Labcorp Genetics (formerly Invitae), Labcorp
Classification: Uncertain significance for Dilated cardiomyopathy 1G; Autosomal recessive limb-girdle muscular dystrophy type 2J. Last evaluated: 2017-09-01. Review status: criteria provided, single submitter. Criteria: Invitae Variant Classification Sherloc (09022015). Collection method: clinical testing. Allele origin: germline.

NM_001267550.2(TTN):c.87449T>C (p.Ile29150Thr)

Genes: TTN (titin; minus strand), TTN-AS1 (TTN antisense RNA 1; plus strand). Cytogenetic location: 2q31.2.
Variant type: single nucleotide variant.
Coding change: c.87449T>C on transcript NM_001267550.2 (MANE Select); coding-DNA position 87449, T replaced by C.
Protein change: p.Ile29150Thr; replaces isoleucine 29150 with threonine.
Molecular consequence: missense variant.
Genome position (GRCh38, 1-based): chr2:178,557,905, A>G on the plus strand (T>C on the coding strand, the complement: TTN is on the minus strand). VCF-style: chr2-178557905-A-G. GRCh37 (hg19) VCF-style: chr2-179422632-A-G.
Other names: c.82526T>C, p.Ile27509Thr (NM_001256850.1); c.60254T>C, p.Ile20085Thr (NM_003319.4); c.79745T>C, p.Ile26582Thr (NM_133378.4); c.60629T>C, p.Ile20210Thr (NM_133432.3); c.60830T>C, p.Ile20277Thr (NM_133437.4); short protein forms I29150T, I20085T, I20210T, I27509T, I26582T, I20277T.
Identifiers: ClinVar variation 535464 (VCV000535464.9), dbSNP rs373106927, ClinGen allele CA1988317.
Genomic context (GRCh38, chr2:178,557,905, plus strand): 5'-ACTTGACTTCCACCGTCATACTTAGGTGGCTCCCATTTGAGAGTCACACTTTCTTCAGTT[A>G]TATCACTAATAACAACAGGGCCAGTTGGAGGACCAGGCCTGTCTAGCACAACAATGTTAA-3'
Protein context (NP_001254479.2, residues 29140-29160): PPTGPVVISD[Ile29150Thr]TEESVTLKWE